The following is an entry in ClinVar:

ClinVar aggregate classification (germline): Uncertain significance (0 of 4 stars; one submission).

Conditions:
GRIN2A-related complex neurodevelopmental disorder. Also called: GRIN2A-related condition; GRIN2A-related disorder. Identifiers: MedGen CN379781, MONDO:1060139.

Submission:

PreventionGenetics, part of Exact Sciences
Classification: Uncertain significance for GRIN2A-related condition. Last evaluated: 2024-09-12. Review status: no assertion criteria provided. Collection method: clinical testing. Allele origin: germline.
Comment: The GRIN2A c.1375T>A variant is predicted to result in the amino acid substitution p.Phe459Ile. To our knowledge, this variant has not been reported in the literature or in a large population database, indicating this variant is rare. At this time, the clinical significance of this variant is uncertain due to the absence of conclusive functional and genetic evidence.

NM_001134407.3(GRIN2A):c.1375T>A (p.Phe459Ile)

Gene: GRIN2A (glutamate ionotropic receptor NMDA type subunit 2A; minus strand). Cytogenetic location: 16p13.2.
Variant type: single nucleotide variant.
Coding change: c.1375T>A on transcript NM_001134407.3 (MANE Select); coding-DNA position 1375, T replaced by A.
Protein change: p.Phe459Ile; replaces phenylalanine 459 with isoleucine.
Molecular consequence: missense variant.
Genome position (GRCh38, 1-based): chr16:9,841,058, A>T on the plus strand (T>A on the coding strand, the complement: GRIN2A is on the minus strand). VCF-style: chr16-9841058-A-T. GRCh37 (hg19) VCF-style: chr16-9934915-A-T.
Other names: c.1375T>A, p.Phe459Ile (NM_000833.5, NM_001134408.2); short protein forms F459I.
Identifiers: ClinVar variation 3345495 (VCV003345495.1).